The following is an entry in ClinVar:

NM_001017420.3(ESCO2):c.894delinsTTTTAT (p.Glu298fs)

Gene: ESCO2 (establishment of sister chromatid cohesion N-acetyltransferase 2; plus strand). Cytogenetic location: 8p21.1.
Variant type: Indel.
Coding change: c.894delinsTTTTAT on transcript NM_001017420.3 (MANE Select); coding-DNA position 894, A replaced by TTTTAT.
Protein change: p.Glu298fs; shifts the reading frame from glutamic acid 298.
Molecular consequence: frameshift variant.
Genome position (GRCh38, 1-based): chr8:27,780,206, A replaced by TTTTAT. VCF-style: chr8-27780206-A-TTTTAT. GRCh37 (hg19) VCF-style: chr8-27637723-A-TTTTAT.
Other names: short protein forms E298fs.
Identifiers: ClinVar variation 210961 (VCV000210961.10), dbSNP rs797045565, ClinGen allele CA277097.

ClinVar aggregate classification (germline): Pathogenic/Likely pathogenic. Review status: criteria provided, multiple submitters, no conflicts (2 of 4 stars). 3 submissions from 3 submitters: Pathogenic (2); Likely pathogenic (1). Last evaluated 2025-12-03.

Conditions:
Roberts-SC phocomelia syndrome (RBS). Also called: LONG BONE DEFICIENCIES ASSOCIATED WITH CLEFT LIP-PALATE; ESCO2 Spectrum Disorder; Hypomelia hypotrichosis facial hemangioma syndrome; Pseudothalidomide syndrome; Appelt-Gerken-Lenz syndrome. Identifiers: Orphanet 3103, MedGen C0392475, MONDO:0100253, OMIM 268300.

Submissions (3):

Natera, Inc.
Classification: Likely pathogenic for Roberts syndrome. Last evaluated: 2025-12-03. Review status: criteria provided, single submitter. Criteria: Natera Variant Classification Schema (03/2026). Collection method: clinical testing. Allele origin: germline.
Comment: The c.894delinsTTTTAT variant in ESCO2 is a frameshift variant predicted to shift the reading frame beginning at codon 298 and leads to a stop codon 45 codons downstream. This variant is expected to result in nonsense mediated decay, truncation, or a dysfunctional protein product. This variant is rare in the general population with a frequency below the threshold expected for the associated phenotype(s). Given the available evidence, this variant is classified as Likely Pathogenic.

Labcorp Genetics (formerly Invitae), Labcorp
Classification: Pathogenic. Last evaluated: 2022-06-09. Review status: criteria provided, single submitter. Criteria: Invitae Variant Classification Sherloc (09022015). Collection method: clinical testing. Allele origin: germline.
Comment: This variant has not been reported in the literature in individuals affected with ESCO2-related conditions. For these reasons, this variant has been classified as Pathogenic. Algorithms developed to predict the effect of sequence changes on RNA splicing suggest that this variant may disrupt the consensus splice site. This variant is not present in population databases (gnomAD no frequency). This sequence change creates a premature translational stop signal (p.Glu298Aspfs*45) in the ESCO2 gene. It is expected to result in an absent or disrupted protein product. Loss-of-function variants in ESCO2 are known to be pathogenic (PMID: 15821733, 16380922).

Genetic Services Laboratory, University of Chicago
Classification: Pathogenic for Roberts syndrome. Last evaluated: 2013-02-21. Review status: criteria provided, single submitter. Criteria: ACMG Guidelines, 2007. Collection method: clinical testing. Allele origin: germline. Affected: yes.

Literature cited by the submitters: PubMed 15821733 (cited by Labcorp Genetics (formerly Invitae), Labcorp); PubMed 16380922 (cited by Labcorp Genetics (formerly Invitae), Labcorp).